The following is an entry in ClinVar:

NM_002473.6(MYH9):c.1815C>G (p.Asp605Glu)

Gene: MYH9 (myosin heavy chain 9; minus strand). Cytogenetic location: 22q12.3.
Variant type: single nucleotide variant.
Coding change: c.1815C>G on transcript NM_002473.6 (MANE Select); coding-DNA position 1815, C replaced by G.
Protein change: p.Asp605Glu; replaces aspartic acid 605 with glutamic acid.
Molecular consequence: missense variant.
Genome position (GRCh38, 1-based): chr22:36,309,310, G>C on the plus strand (C>G on the coding strand, the complement: MYH9 is on the minus strand). VCF-style: chr22-36309310-G-C. GRCh37 (hg19) VCF-style: chr22-36705355-G-C.
Other names: c.1815C>G (NM_002473.4); short protein forms D605E.
Identifiers: ClinVar variation 2633310 (VCV002633310.2), dbSNP rs896335377, ClinGen allele CA323601783.
Genomic context (GRCh38, chr22:36,309,310, plus strand): 5'-AGGAGGCAGGGGGCGAAGGGCAAAGGGCGTACCATCCTTCCACAGCTCCGAGACAAACTT[G>C]TCAGAGGACTGGTGGAGCAGTGTGGCGATGTTGTCATTCAGGGGATCCATGTTCTTCATC-3'
Protein context (NP_002464.1, residues 595-615): NIATLLHQSS[Asp605Glu]KFVSELWKDV

ClinVar aggregate classification (germline): Uncertain significance. Review status: criteria provided, multiple submitters, no conflicts (2 of 4 stars). 2 submissions from 2 submitters: Uncertain significance (2). Last evaluated 2023-11-14.

Conditions:
MYH9-related disorder. Identifiers: MedGen C1854520.

Allele frequency attached by ClinVar (database versions not stated): TOPMed 0.00001; gnomAD 0.00002.
gnomAD v4.1: 4 of 1,614,082 alleles (0.00025%); highest among the groups gnomAD compares: Admixed American, 0.0017%; no homozygotes.

Submissions (2):

GeneDx
Classification: Uncertain significance. Last evaluated: 2023-11-14. Review status: criteria provided, single submitter. Criteria: GeneDx Variant Classification Process June 2021. Collection method: clinical testing. Allele origin: germline. Affected: yes.
Comment: In silico analysis supports that this missense variant has a deleterious effect on protein structure/function; Has not been previously published as pathogenic or benign to our knowledge

PreventionGenetics, part of Exact Sciences
Classification: Uncertain significance for MYH9-related condition. Last evaluated: 2023-05-08. Review status: criteria provided, single submitter. Criteria: ACMG Guidelines, 2015. Collection method: clinical testing. Allele origin: germline.
Comment: The MYH9 c.1815C>G variant is predicted to result in the amino acid substitution p.Asp605Glu. To our knowledge, this variant has not been reported in the literature. This variant is reported in 0.0040% of alleles in individuals of European (Finnish) descent in gnomAD. At this time, the clinical significance of this variant is uncertain due to the absence of conclusive functional and genetic evidence.